The following is an entry in ClinVar:

ClinVar aggregate classification (germline): Uncertain significance. Review status: criteria provided, single submitter (1 of 4 stars). 2 submissions from 2 submitters: Uncertain significance (1). 1 of the submissions does not count toward it. Last evaluated 2025-11-25.

Conditions:
Cystic fibrosis (CF). Also called: MUCOVISCIDOSIS. Identifiers: Orphanet 586, MedGen C0010674, MONDO:0009061, OMIM 219700. Disease mechanism: loss of function.
CFTR-related disorder (CFTR-RD). Also called: CFTR-related disorders; CFTR-related condition. Identifiers: MedGen C5924204, MONDO:7770004.

Submissions (2):

Ambry Genetics
Classification: Uncertain significance for Cystic fibrosis. Last evaluated: 2025-11-25. Review status: criteria provided, single submitter. Criteria: Ambry Variant Classification Scheme 2023. Collection method: clinical testing. Allele origin: germline.
Comment: The p.W846C variant (also known as c.2538G>C), located in coding exon 15 of the CFTR gene, results from a G to C substitution at nucleotide position 2538. The tryptophan at codon 846 is replaced by cysteine, an amino acid with highly dissimilar properties. This amino acid position is conserved. In addition, this alteration is predicted to be deleterious by in silico analysis. Based on the available evidence, the clinical significance of this variant remains unclear.

Natera, Inc.
Classification: Uncertain significance for CFTR-related disorders. Last evaluated: 2025-01-23. Review status: no assertion criteria provided. Collection method: clinical testing. Allele origin: germline. Not counted in ClinVar's aggregate classification.

NM_000492.4(CFTR):c.2538G>C (p.Trp846Cys)

Gene: CFTR (CF transmembrane conductance regulator; plus strand). Cytogenetic location: 7q31.2.
Variant type: single nucleotide variant.
Coding change: c.2538G>C on transcript NM_000492.4 (MANE Select); coding-DNA position 2538, G replaced by C.
Protein change: p.Trp846Cys; replaces tryptophan 846 with cysteine.
Molecular consequence: missense variant.
Genome position (GRCh38, 1-based): chr7:117,594,977, G>C. VCF-style: chr7-117594977-G-C. GRCh37 (hg19) VCF-style: chr7-117235031-G-C.
Other names: short protein forms W846C.
Identifiers: ClinVar variation 4064630 (VCV004064630.2).